The following is an entry in ClinVar:

NM_000046.5(ARSB):c.1521dup (p.His508fs)

Gene: ARSB (arylsulfatase B; minus strand). Cytogenetic location: 5q14.1.
Variant type: Duplication.
Coding change: c.1521dup on transcript NM_000046.5 (MANE Select); coding-DNA position 1521, one base duplicated (A; older notation c.1521dupA).
Protein change: p.His508fs; shifts the reading frame from histidine 508.
Molecular consequence: frameshift variant.
Genome position (GRCh38, 1-based): chr5:78,780,478, T duplicated on the plus strand (A on the coding strand, the reverse complement: ARSB is on the minus strand); the first of 3 consecutive T bases (chr5:78,780,478-78,780,480); duplicating any one gives the same sequence. VCF-style (leftmost placement, unchanged base first): chr5-78780477-G-GT. GRCh37 (hg19) VCF-style: chr5-78076300-G-GT.
Other names: short protein forms H508fs.
Identifiers: ClinVar variation 2722742 (VCV002722742.3), dbSNP rs2478818355, ClinGen allele CA2697547256.

ClinVar aggregate classification (germline): Pathogenic (1 of 4 stars; one submission).

Conditions:
Mucopolysaccharidosis type 6 (MPS6). Also called: MPS 6; Maroteaux Lamy syndrome; MPS VI; N-ACETYLGALACTOSAMINE-4-SULFATASE DEFICIENCY; ARSB DEFICIENCY; ARYLSULFATASE B DEFICIENCY. Identifiers: Orphanet 583, MedGen C0026709, MONDO:0009661, OMIM 253200.

Submission:

Labcorp Genetics (formerly Invitae), Labcorp
Classification: Pathogenic for Mucopolysaccharidosis type 6. Last evaluated: 2023-06-03. Review status: criteria provided, single submitter. Criteria: Invitae Variant Classification Sherloc (09022015). Collection method: clinical testing. Allele origin: germline.
Comment: For these reasons, this variant has been classified as Pathogenic. This variant disrupts a region of the ARSB protein in which other variant(s) (p.Cys521Tyr) have been determined to be pathogenic (PMID: 8116615, 10923267, 24373060). This suggests that this is a clinically significant region of the protein, and that variants that disrupt it are likely to be disease-causing. This variant has not been reported in the literature in individuals affected with ARSB-related conditions. This variant is not present in population databases (gnomAD no frequency). This sequence change creates a premature translational stop signal (p.His508Thrfs*15) in the ARSB gene. While this is not anticipated to result in nonsense mediated decay, it is expected to disrupt the last 26 amino acid(s) of the ARSB protein.

Literature cited by the submitters: PubMed 8116615; PubMed 10923267; PubMed 24373060.